The following is an entry in ClinVar:

ClinVar aggregate classification (germline): Uncertain significance (1 of 4 stars; one submission).

Conditions:
Ehlers-Danlos syndrome, classic type, 1 (EDSCL1). Also called: EHLERS-DANLOS SYNDROME, GRAVIS TYPE; EHLERS-DANLOS SYNDROME, SEVERE CLASSIC TYPE; Ehlers-Danlos syndrome, type 1; Ehlers-Danlos Syndrome, Classic Type, COL5A1-Related; EDS I. Identifiers: MedGen C0268335, MONDO:0019567, OMIM 130000.

Submission:

Labcorp Genetics (formerly Invitae), Labcorp
Classification: Uncertain significance for Ehlers-Danlos syndrome, classic type, 1. Last evaluated: 2024-01-14. Review status: criteria provided, single submitter. Criteria: Invitae Variant Classification Sherloc (09022015). Collection method: clinical testing. Allele origin: germline.
Comment: This sequence change replaces glycine, which is neutral and non-polar, with glutamic acid, which is acidic and polar, at codon 721 of the COL5A1 protein (p.Gly721Glu). This variant is not present in population databases (gnomAD no frequency). This variant has not been reported in the literature in individuals affected with COL5A1-related conditions. Advanced modeling of protein sequence and biophysical properties (such as structural, functional, and spatial information, amino acid conservation, physicochemical variation, residue mobility, and thermodynamic stability) performed at Invitae indicates that this missense variant is expected to disrupt COL5A1 protein function with a positive predictive value of 95%. This variant disrupts the triple helix domain of COL5A1. Glycine residues within the Gly-Xaa-Yaa repeats of the triple helix domain are required for the structure and stability of fibrillar collagens (PMID: 7695699, 8218237, 19344236), and variants at these glycine residues in COL5A1 are more frequently observed in individuals with disease than in the general population (PMID: 22696272, 23587214). However, the clinical significance of this observation remains uncertain since only a limited number of affected individuals have been described to date. In summary, the available evidence is currently insufficient to determine the role of this variant in disease. Therefore, it has been classified as a Variant of Uncertain Significance.

Literature cited by the submitters: PubMed 7695699; PubMed 8218237; PubMed 19344236; PubMed 22696272; PubMed 23587214.

NM_000093.5(COL5A1):c.2162G>A (p.Gly721Glu)

Gene: COL5A1 (collagen type V alpha 1 chain; plus strand). Cytogenetic location: 9q34.3.
Variant type: single nucleotide variant.
Coding change: c.2162G>A on transcript NM_000093.5 (MANE Select); coding-DNA position 2162, G replaced by A.
Protein change: p.Gly721Glu; replaces glycine 721 with glutamic acid.
Molecular consequence: missense variant.
Genome position (GRCh38, 1-based): chr9:134,767,028, G>A. VCF-style: chr9-134767028-G-A. GRCh37 (hg19) VCF-style: chr9-137658874-G-A.
Other names: c.2162G>A, p.Gly721Glu (NM_001278074.1); short protein forms G721E.
Identifiers: ClinVar variation 2709421 (VCV002709421.3), dbSNP rs2490664613, ClinGen allele CA375448208.
Genomic context (GRCh38, chr9:134,767,028, plus strand): 5'-CCCTTCAGTGCCTTTGCTCTTGTCTCCTGTAGGGTCCCCAGGGAGAGCCTGGCCCCCCAG[G>A]ACAGCAGGGTAATCCAGGCGCCCAGGTAAGTGAGCCTGAGAGAGGCAGCTCGCAGGGATC-3'
Protein context (NP_000084.3, residues 711-731): VGPQGEPGPP[Gly721Glu]QQGNPGAQGL